The following is an entry in ClinVar:

NM_001352754.2(ARMC9):c.260G>A (p.Arg87Gln)

Gene: ARMC9 (armadillo repeat containing 9; plus strand). Cytogenetic location: 2q37.1.
Variant type: single nucleotide variant.
Coding change: c.260G>A on transcript NM_001352754.2 (MANE Select); coding-DNA position 260, G replaced by A.
Protein change: p.Arg87Gln; replaces arginine 87 with glutamine.
Molecular consequence: missense variant. On other transcripts: non-coding transcript variant (1).
Genome position (GRCh38, 1-based): chr2:231,214,913, G>A. VCF-style: chr2-231214913-G-A. GRCh37 (hg19) VCF-style: chr2-232079626-G-A.
Other names: c.260G>A (NM_025139.3); c.260G>A, p.Arg87Gln (NM_001271466.4, NM_001291656.2, NM_001352755.2 and 5 more transcripts); short protein forms R87Q.
Identifiers: ClinVar variation 999538 (VCV000999538.6), dbSNP rs563490038, ClinGen allele CA2159889.

ClinVar aggregate classification (germline): Conflicting classifications of pathogenicity. Review status: criteria provided, conflicting classifications (1 of 4 stars). 3 submissions from 3 submitters: Uncertain significance (2); Benign (1). Last evaluated 2025-03-21.

Conditions:
Inborn genetic diseases. Identifiers: MedGen C0950123, MeSH D030342.

Allele frequency attached by ClinVar (database versions not stated): TOPMed 0.00003; ExAC 0.00022; 1000 Genomes Project 30x 0.00031; 1000 Genomes Project 0.00040.
gnomAD v4.1: 120 of 1,614,164 alleles (0.0074%); highest among the groups gnomAD compares: South Asian, 0.11%; no homozygotes.

Submissions (3):

Ambry Genetics
Classification: Uncertain significance for Inborn genetic diseases. Last evaluated: 2025-03-21. Review status: criteria provided, single submitter. Criteria: Ambry Variant Classification Scheme 2023. Collection method: clinical testing. Allele origin: germline.

Blueprint Genetics
Classification: Benign. Last evaluated: 2024-06-28. Review status: criteria provided, single submitter. Criteria: ACMG Guidelines, 2015. Collection method: clinical testing. Allele origin: germline.

Labcorp Genetics (formerly Invitae), Labcorp
Classification: Uncertain significance. Last evaluated: 2022-08-22. Review status: criteria provided, single submitter. Criteria: Invitae Variant Classification Sherloc (09022015). Collection method: clinical testing. Allele origin: germline.
Comment: This sequence change replaces arginine with glutamine at codon 87 of the ARMC9 protein (p.Arg87Gln). The arginine residue is moderately conserved and there is a small physicochemical difference between arginine and glutamine. This variant is present in population databases (rs563490038, gnomAD 0.1%). This variant has not been reported in the literature in individuals affected with ARMC9-related conditions. ClinVar contains an entry for this variant (Variation ID: 999538). Experimental studies and prediction algorithms are not available or were not evaluated, and the functional significance of this variant is currently unknown. In summary, the available evidence is currently insufficient to determine the role of this variant in disease. Therefore, it has been classified as a Variant of Uncertain Significance.